The following is an entry in ClinVar:

NM_005506.4(SCARB2):c.160G>A (p.Glu54Lys)

Gene: SCARB2 (scavenger receptor class B member 2; minus strand). Cytogenetic location: 4q21.1.
Variant type: single nucleotide variant.
Coding change: c.160G>A on transcript NM_005506.4 (MANE Select); coding-DNA position 160, G replaced by A.
Protein change: p.Glu54Lys; replaces glutamic acid 54 with lysine.
Molecular consequence: missense variant.
Genome position (GRCh38, 1-based): chr4:76,195,822, C>T on the plus strand (G>A on the coding strand, the complement: SCARB2 is on the minus strand). VCF-style: chr4-76195822-C-T. GRCh37 (hg19) VCF-style: chr4-77116975-C-T.
Other names: c.160G>A, p.Glu54Lys (NM_001204255.2); short protein forms E54K.
Identifiers: ClinVar variation 2156970 (VCV002156970.4), dbSNP rs770251893, ClinGen allele CA2970399.

ClinVar aggregate classification (germline): Uncertain significance (1 of 4 stars; one submission).

Conditions:
Progressive myoclonic epilepsy. Also called: Myoclonus epilepsy; Progressive myoclonus epilepsy; Familial progressive myoclonic epilepsy; Myoclonic Epilepsies, Progressive. Identifiers: Orphanet 308, Orphanet 98261, MedGen C0751778, MONDO:0020074.

Allele frequency attached by ClinVar (database versions not stated): gnomAD exomes below 0.00001; ExAC 0.00001.
gnomAD v4.1: 2 of 1,613,790 alleles (0.00012%); highest among the groups gnomAD compares: Middle Eastern, 0.017%; no homozygotes.

Submission:

Labcorp Genetics (formerly Invitae), Labcorp
Classification: Uncertain significance for Progressive myoclonic epilepsy. Last evaluated: 2024-02-26. Review status: criteria provided, single submitter. Criteria: Invitae Variant Classification Sherloc (09022015). Collection method: clinical testing. Allele origin: germline.
Comment: This sequence change replaces glutamic acid, which is acidic and polar, with lysine, which is basic and polar, at codon 54 of the SCARB2 protein (p.Glu54Lys). This variant is present in population databases (rs770251893, gnomAD 0.0009%). This variant has not been reported in the literature in individuals affected with SCARB2-related conditions. ClinVar contains an entry for this variant (Variation ID: 2156970). Advanced modeling of protein sequence and biophysical properties (such as structural, functional, and spatial information, amino acid conservation, physicochemical variation, residue mobility, and thermodynamic stability) performed at Invitae indicates that this missense variant is not expected to disrupt SCARB2 protein function with a negative predictive value of 80%. In summary, the available evidence is currently insufficient to determine the role of this variant in disease. Therefore, it has been classified as a Variant of Uncertain Significance.